The following is an entry in ClinVar:

NM_015267.4(CUX2):c.3514C>T (p.Arg1172Trp)

Gene: CUX2 (cut like homeobox 2; plus strand). Cytogenetic location: 12q24.12.
Variant type: single nucleotide variant.
Coding change: c.3514C>T on transcript NM_015267.4 (MANE Select); coding-DNA position 3514, C replaced by T.
Protein change: p.Arg1172Trp; replaces arginine 1172 with tryptophan.
Molecular consequence: missense variant.
Genome position (GRCh38, 1-based): chr12:111,341,908, C>T. VCF-style: chr12-111341908-C-T. GRCh37 (hg19) VCF-style: chr12-111779712-C-T.
Other names: c.3328C>T, p.Arg1110Trp (NM_001370598.1); short protein forms R1110W, R1172W.
Identifiers: ClinVar variation 1698310 (VCV001698310.2), dbSNP rs2136448555, ClinGen allele CA386719089.

ClinVar aggregate classification (germline): Uncertain significance (1 of 4 stars; one submission).

Allele frequency attached by ClinVar (database versions not stated): gnomAD exomes below 0.00001.
gnomAD v4.1: 3 of 1,614,100 alleles (0.00019%); highest among the groups gnomAD compares: Non-Finnish European, 0.00025%; no homozygotes.

Submission:

GeneDx
Classification: Uncertain significance. Last evaluated: 2022-01-19. Review status: criteria provided, single submitter. Criteria: GeneDx Variant Classification Process June 2021. Collection method: clinical testing. Allele origin: germline. Affected: yes.
Comment: Not observed at significant frequency in large population cohorts (gnomAD); In silico analysis supports that this missense variant has a deleterious effect on protein structure/function; Has not been previously published as pathogenic or benign to our knowledge